The following is an entry in ClinVar:

NM_003803.4(MYOM1):c.767A>G (p.Lys256Arg)

Gene: MYOM1 (myomesin 1; minus strand). Cytogenetic location: 18p11.31.
Variant type: single nucleotide variant.
Coding change: c.767A>G on transcript NM_003803.4 (MANE Select); coding-DNA position 767, A replaced by G.
Protein change: p.Lys256Arg; replaces lysine 256 with arginine.
Molecular consequence: missense variant.
Genome position (GRCh38, 1-based): chr18:3,188,752, T>C on the plus strand (A>G on the coding strand, the complement: MYOM1 is on the minus strand). VCF-style: chr18-3188752-T-C. GRCh37 (hg19) VCF-style: chr18-3188750-T-C.
Other names: c.767A>G, p.Lys256Arg (NM_019856.2); short protein forms K256R.
Identifiers: ClinVar variation 2108851 (VCV002108851.4), dbSNP rs2510718911, ClinGen allele CA401716406.

ClinVar aggregate classification (germline): Uncertain significance (1 of 4 stars; one submission).

Conditions:
Hypertrophic cardiomyopathy. Also called: HYPERTROPHIC MYOCARDIOPATHY. Identifiers: Orphanet 217569, MedGen C0007194, MeSH D002312, MONDO:0005045, HP:0001639.

Submission:

Labcorp Genetics (formerly Invitae), Labcorp
Classification: Uncertain significance for Hypertrophic cardiomyopathy. Last evaluated: 2022-03-11. Review status: criteria provided, single submitter. Criteria: Invitae Variant Classification Sherloc (09022015). Collection method: clinical testing. Allele origin: germline.
Comment: This variant is not present in population databases (gnomAD no frequency). In summary, the available evidence is currently insufficient to determine the role of this variant in disease. Therefore, it has been classified as a Variant of Uncertain Significance. Algorithms developed to predict the effect of missense changes on protein structure and function (SIFT, PolyPhen-2, Align-GVGD) all suggest that this variant is likely to be tolerated. This variant has not been reported in the literature in individuals affected with MYOM1-related conditions. This sequence change replaces lysine, which is basic and polar, with arginine, which is basic and polar, at codon 256 of the MYOM1 protein (p.Lys256Arg).